The following is an entry in ClinVar:

NM_024782.3(NHEJ1):c.390+1G>C

Gene: NHEJ1 (non-homologous end joining factor 1; minus strand). Cytogenetic location: 2q35.
Variant type: single nucleotide variant.
Coding change: c.390+1G>C on transcript NM_024782.3 (MANE Select); the canonical splice donor site of the intron after coding-DNA position 390, G replaced by C.
Molecular consequence: splice donor variant.
Genome position (GRCh38, 1-based): chr2:219,157,471, C>G on the plus strand (G>C on the coding strand, the complement: NHEJ1 is on the minus strand). VCF-style: chr2-219157471-C-G. GRCh37 (hg19) VCF-style: chr2-220022193-C-G.
Other names: c.390+1G>C (NM_001377499.1, NM_001377498.1).
Identifiers: ClinVar variation 191148 (VCV000191148.15), dbSNP rs786205547, ClinGen allele CA236120.
Genomic context (GRCh38, chr2:219,157,471, plus strand): 5'-AAAGCTTCCTCTCAAAGCAACTGGCATCCCTCCCCCAACCCCACATTCGAATTACACTTA[C>G]CAGGGAAGGACTAGCTAGCATGCAGTGGAAATTCCAATAGAAGGGGAGGCCAGAGAGCTC-3'

ClinVar aggregate classification (germline): Pathogenic/Likely pathogenic. Review status: criteria provided, multiple submitters, no conflicts (2 of 4 stars). 2 submissions from 2 submitters: Pathogenic (1); Likely pathogenic (1). Last evaluated 2024-09-01.

Submissions (2):

CeGaT Center for Human Genetics Tuebingen
Classification: Pathogenic. Last evaluated: 2024-09-01. Review status: criteria provided, single submitter. Criteria: CeGaT Center For Human Genetics Tuebingen Variant Classification Criteria Version 2. Collection method: clinical testing. Allele origin: germline. Affected: yes. Observed: 1 variant allele.
Comment: NHEJ1: PVS1:Strong, PM2, PM3, PP1:Moderate, PS3:Supporting

Genomic Medicine Center of Excellence, King Faisal Specialist Hospital and Research Centre
Classification: Likely pathogenic. Review status: criteria provided, single submitter. Criteria: ACMG Guidelines, 2015. Collection method: research. Allele origin: germline. Affected: yes.